The following is an entry in ClinVar:

ClinVar aggregate classification (germline): Uncertain significance (1 of 4 stars; one submission).

Submission:

Labcorp Genetics (formerly Invitae), Labcorp
Classification: Uncertain significance. Last evaluated: 2022-08-31. Review status: criteria provided, single submitter. Criteria: Invitae Variant Classification Sherloc (09022015). Collection method: clinical testing. Allele origin: germline.
Comment: This variant, c.2271_2276del, results in the deletion of 2 amino acid(s) of the ARMC9 protein (p.Ser758_Ala759del), but otherwise preserves the integrity of the reading frame. This variant is not present in population databases (gnomAD no frequency). This variant has not been reported in the literature in individuals affected with ARMC9-related conditions. ClinVar contains an entry for this variant (Variation ID: 1057362). Experimental studies and prediction algorithms are not available or were not evaluated, and the functional significance of this variant is currently unknown. In summary, the available evidence is currently insufficient to determine the role of this variant in disease. Therefore, it has been classified as a Variant of Uncertain Significance.

NM_001352754.2(ARMC9):c.2271_2276del (p.Ser758_Ala759del)

Gene: ARMC9 (armadillo repeat containing 9; plus strand). Cytogenetic location: 2q37.1.
Variant type: Deletion.
Coding change: c.2271_2276del on transcript NM_001352754.2 (MANE Select); coding-DNA positions 2271 to 2276, 6 bases deleted (ATCAGC; older notation c.2271_2276delATCAGC).
Protein change: p.Ser758_Ala759del.
Molecular consequence: inframe deletion.
Genome position (GRCh38, 1-based): chr2:231,369,962-231,369,967, ATCAGC deleted; deleting any 6 consecutive bases within chr2:231,369,960-231,369,967 gives the same sequence; the c. name uses the placement nearest the transcript's 3' end. VCF-style (leftmost placement, unchanged base first): chr2-231369959-TGCATCA-T. GRCh37 (hg19) VCF-style: chr2-232234670-TGCATCA-T.
Other names: c.2271_2276del, p.Ser758_Ala759del (NM_001271466.4).
Identifiers: ClinVar variation 1057362 (VCV001057362.7), dbSNP rs2125600430, ClinGen allele CA2499215772.